The following is an entry in ClinVar:

ClinVar aggregate classification (germline): Likely pathogenic (1 of 4 stars; one submission).

Submission:

Dasa
Classification: Likely pathogenic. Last evaluated: 2025-08-08. Review status: criteria provided, single submitter. Criteria: DASA Assertion Criteria. Collection method: clinical testing. Allele origin: germline.
Comment: NM_001386298.1(CIC):c.6470dup (p.Leu2158Thrfs*6) is a frameshift variant in CIC predicted to alter the reading frame and introduce a premature termination codon and is predicted to result in an absent or altered protein product. Loss of function is an established disease mechanism for CIC (PMID: 28288114; PMID: 28263302; PMID: 22542183). Also, this variant is rare in population databases. Based on the currently available evidence, this variant is classified as likely pathogenic.

Literature cited by the submitters: PubMed 28288114; PubMed 28263302; PubMed 22542183.

NM_001386298.1(CIC):c.6470dup (p.Leu2158fs)

Gene: CIC (capicua transcriptional repressor; plus strand). Cytogenetic location: 19q13.2.
Variant type: Duplication.
Coding change: c.6470dup on transcript NM_001386298.1 (MANE Select); coding-DNA position 6470, one base duplicated (C; older notation c.6470dupC).
Protein change: p.Leu2158fs; shifts the reading frame from leucine 2158.
Molecular consequence: frameshift variant.
Genome position (GRCh38, 1-based): chr19:42,293,229, C duplicated; the last of 6 consecutive C bases (chr19:42,293,224-42,293,229); duplicating any one gives the same sequence. VCF-style (leftmost placement, unchanged base first): chr19-42293223-G-GC. GRCh37 (hg19) VCF-style: chr19-42797375-G-GC.
Other names: c.6470dup, p.Leu2158fs (NM_001304815.2, NM_001379482.1, NM_001439183.1 and 2 more transcripts); c.6467dup, p.Leu2157fs (NM_001379480.1, NM_001439188.1, NM_001439184.1 and 1 more transcripts); c.3740dup, p.Leu1248fs (NM_001439189.1, NM_001439191.1); c.3743dup, p.Leu1249fs (NM_001439190.1, NM_015125.5, NM_001379484.1 and 1 more transcripts); short protein forms L1248fs, L1249fs, L2157fs, L2158fs.
Identifiers: ClinVar variation 4886520 (VCV004886520.2).